The following is an entry in ClinVar:

ClinVar aggregate classification (germline): Uncertain significance. Review status: criteria provided, multiple submitters, no conflicts (2 of 4 stars). 3 submissions from 3 submitters: Uncertain significance (3). Last evaluated 2026-08-13.

Conditions:
Charcot-Marie-Tooth disease axonal type 2C (HMSN2C). Also called: Charcot-Marie-Tooth Disease Type 2, TRPV4-Related (CMT2C); CHARCOT-MARIE-TOOTH DISEASE, AXONAL, AUTOSOMAL DOMINANT, TYPE 2C; Charcot-Marie-Tooth Neuropathy Type 2C. Identifiers: Orphanet 99937, MedGen C1853710, MONDO:0011633, OMIM 606071.
Inborn genetic diseases. Identifiers: MedGen C0950123, MeSH D030342.

Allele frequency attached by ClinVar (database versions not stated): TOPMed below 0.00001.

Submissions (3):

Ambry Genetics
Classification: Uncertain significance for Inborn genetic diseases. Last evaluated: 2026-08-13. Review status: criteria provided, single submitter. Criteria: Ambry Variant Classification Scheme 2023. Collection method: clinical testing. Allele origin: germline.

GeneDx
Classification: Uncertain significance. Last evaluated: 2025-03-17. Review status: criteria provided, single submitter. Criteria: GeneDx Variant Classification Process June 2021. Collection method: clinical testing. Allele origin: germline. Affected: yes.
Comment: Not observed at significant frequency in large population cohorts (gnomAD); In silico analysis supports that this missense variant has a deleterious effect on protein structure/function; Has not been previously published as pathogenic or benign to our knowledge

Labcorp Genetics (formerly Invitae), Labcorp
Classification: Uncertain significance for Charcot-Marie-Tooth disease axonal type 2C. Last evaluated: 2020-01-08. Review status: criteria provided, single submitter. Criteria: Invitae Variant Classification Sherloc (09022015). Collection method: clinical testing. Allele origin: germline.
Comment: In summary, the available evidence is currently insufficient to determine the role of this variant in disease. Therefore, it has been classified as a Variant of Uncertain Significance. Algorithms developed to predict the effect of missense changes on protein structure and function are either unavailable or do not agree on the potential impact of this missense change (SIFT: "Deleterious"; PolyPhen-2: "Probably Damaging"; Align-GVGD: "Class C15"). This variant has not been reported in the literature in individuals with TRPV4-related conditions. This variant is not present in population databases (ExAC no frequency). This sequence change replaces aspartic acid with tyrosine at codon 425 of the TRPV4 protein (p.Asp425Tyr). The aspartic acid residue is highly conserved and there is a large physicochemical difference between aspartic acid and tyrosine.

NM_021625.5(TRPV4):c.1273G>T (p.Asp425Tyr)

Gene: TRPV4 (transient receptor potential cation channel subfamily V member 4; minus strand). Cytogenetic location: 12q24.11.
Variant type: single nucleotide variant.
Coding change: c.1273G>T on transcript NM_021625.5 (MANE Select); coding-DNA position 1273, G replaced by T.
Protein change: p.Asp425Tyr; replaces aspartic acid 425 with tyrosine.
Molecular consequence: missense variant. On other transcripts: intron variant (2).
Genome position (GRCh38, 1-based): chr12:109,796,584, C>A on the plus strand (G>T on the coding strand, the complement: TRPV4 is on the minus strand). VCF-style: chr12-109796584-C-A. GRCh37 (hg19) VCF-style: chr12-110234389-C-A.
Other names: c.1132G>T, p.Asp378Tyr (NM_001177428.2); c.1171G>T, p.Asp391Tyr (NM_001177431.2); c.1011+2030G>T (NM_001177433.1); c.1152+2030G>T (NM_147204.2); short protein forms D378Y, D391Y, D425Y.
Identifiers: ClinVar variation 1021995 (VCV001021995.11), dbSNP rs1890415214, ClinGen allele CA386653577.